The following is an entry in ClinVar:

NM_005876.5(SPEG):c.8182A>G (p.Ile2728Val)

Genes: ASIC4-AS1 (ASIC4 antisense RNA 1; minus strand), SPEG (striated muscle enriched protein kinase; plus strand). Cytogenetic location: 2q35.
Variant type: single nucleotide variant.
Coding change: c.8182A>G on transcript NM_005876.5 (MANE Select); coding-DNA position 8182, A replaced by G.
Protein change: p.Ile2728Val; replaces isoleucine 2728 with valine.
Molecular consequence: missense variant.
Genome position (GRCh38, 1-based): chr2:219,489,086, A>G. VCF-style: chr2-219489086-A-G. GRCh37 (hg19) VCF-style: chr2-220353808-A-G.
Other names: short protein forms I2728V.
Identifiers: ClinVar variation 2124242 (VCV002124242.4), dbSNP rs2546004102, ClinGen allele CA350708584.

ClinVar aggregate classification (germline): Uncertain significance (1 of 4 stars; one submission).

Submission:

Labcorp Genetics (formerly Invitae), Labcorp
Classification: Uncertain significance. Last evaluated: 2022-04-21. Review status: criteria provided, single submitter. Criteria: Invitae Variant Classification Sherloc (09022015). Collection method: clinical testing. Allele origin: germline.
Comment: This sequence change replaces isoleucine, which is neutral and non-polar, with valine, which is neutral and non-polar, at codon 2728 of the SPEG protein (p.Ile2728Val). In summary, the available evidence is currently insufficient to determine the role of this variant in disease. Therefore, it has been classified as a Variant of Uncertain Significance. Algorithms developed to predict the effect of missense changes on protein structure and function (SIFT, PolyPhen-2, Align-GVGD) all suggest that this variant is likely to be tolerated. This variant has not been reported in the literature in individuals affected with SPEG-related conditions. This variant is not present in population databases (gnomAD no frequency).